The following is an entry in ClinVar:

ClinVar aggregate classification (germline): Benign/Likely benign. Review status: criteria provided, multiple submitters, no conflicts (2 of 4 stars). 4 submissions from 4 submitters: Benign (2); Likely benign (2). Last evaluated 2026-01-22.

Allele frequency attached by ClinVar (database versions not stated): ExAC 0.00210; 1000 Genomes Project 0.00579; 1000 Genomes Project 30x 0.00656; gnomAD 0.00671 and 0.00725; TOPMed 0.00705; ESP Exome Variant Server 0.00800.
gnomAD v4.1: 1,969 of 1,613,906 alleles (0.12%); highest among the groups gnomAD compares: African/African-American, 2.4%; 25 homozygotes.

Submissions (4):

Women's Health and Genetics/Laboratory Corporation of America, LabCorp
Classification: Likely benign. Last evaluated: 2026-01-22. Review status: criteria provided, single submitter. Criteria: LabCorp Variant Classification Summary - May 2015. Collection method: clinical testing. Allele origin: germline.

Mayo Clinic Laboratories, Mayo Clinic
Classification: Likely benign. Last evaluated: 2024-12-26. Review status: criteria provided, single submitter. Criteria: ACMG Guidelines, 2015. Collection method: clinical testing. Allele origin: germline. Observed: 62 variant alleles.
Comment: BS1, BP4, BP7

Labcorp Genetics (formerly Invitae), Labcorp
Classification: Benign. Last evaluated: 2019-12-31. Review status: criteria provided, single submitter. Criteria: Invitae Variant Classification Sherloc (09022015). Collection method: clinical testing. Allele origin: germline.

Breakthrough Genomics
Classification: Benign. Review status: criteria provided, single submitter. Criteria: ACMG Guidelines, 2015. Collection method: not provided. Allele origin: germline. Inheritance: Unknown mechanism. Affected: yes.

NM_005666.4(CFHR2):c.430+7G>A

Gene: CFHR2 (complement factor H related 2; plus strand). Cytogenetic location: 1q31.3.
Variant type: single nucleotide variant.
Coding change: c.430+7G>A on transcript NM_005666.4 (MANE Select); 7 bases into the intron after coding-DNA position 430, G replaced by A.
Molecular consequence: intron variant.
Genome position (GRCh38, 1-based): chr1:196,951,035, G>A. VCF-style: chr1-196951035-G-A. GRCh37 (hg19) VCF-style: chr1-196920165-G-A.
Other names: p.?; c.59-6856G>A (NM_001312672.1).
Identifiers: ClinVar variation 789954 (VCV000789954.7), dbSNP rs115541863, ClinGen allele CA1307427.